The following is an entry in ClinVar:

NM_032620.4(GTPBP3):c.238C>A (p.Arg80Ser)

Gene: GTPBP3 (GTP binding protein 3, mitochondrial; plus strand). Cytogenetic location: 19p13.11.
Variant type: single nucleotide variant.
Coding change: c.238C>A on transcript NM_032620.4 (MANE Select); coding-DNA position 238, C replaced by A.
Protein change: p.Arg80Ser; replaces arginine 80 with serine.
Molecular consequence: missense variant.
Genome position (GRCh38, 1-based): chr19:17,338,192, C>A. VCF-style: chr19-17338192-C-A. GRCh37 (hg19) VCF-style: chr19-17449001-C-A.
Other names: c.304C>A, p.Arg102Ser (NM_001195422.1); c.238C>A, p.Arg80Ser (NM_133644.4, NM_001128855.3); short protein forms R102S, R80S.
Identifiers: ClinVar variation 1371566 (VCV001371566.6), dbSNP rs1242128644, ClinGen allele CA404732097.

ClinVar aggregate classification (germline): Uncertain significance (1 of 4 stars; one submission).

Submission:

Labcorp Genetics (formerly Invitae), Labcorp
Classification: Uncertain significance. Last evaluated: 2022-02-09. Review status: criteria provided, single submitter. Criteria: Invitae Variant Classification Sherloc (09022015). Collection method: clinical testing. Allele origin: germline.
Comment: This variant is not present in population databases (gnomAD no frequency). This sequence change replaces arginine, which is basic and polar, with serine, which is neutral and polar, at codon 80 of the GTPBP3 protein (p.Arg80Ser). This variant has not been reported in the literature in individuals affected with GTPBP3-related conditions. In summary, the available evidence is currently insufficient to determine the role of this variant in disease. Therefore, it has been classified as a Variant of Uncertain Significance. Algorithms developed to predict the effect of missense changes on protein structure and function are either unavailable or do not agree on the potential impact of this missense change (SIFT: "Tolerated"; PolyPhen-2: "Possibly Damaging"; Align-GVGD: "Class C0").